The following is an entry in ClinVar:

NM_001035.3(RYR2):c.13943T>A (p.Phe4648Tyr)

Gene: RYR2 (ryanodine receptor 2; plus strand). Cytogenetic location: 1q43.
Variant type: single nucleotide variant.
Coding change: c.13943T>A on transcript NM_001035.3 (MANE Select); coding-DNA position 13943, T replaced by A.
Protein change: p.Phe4648Tyr; replaces phenylalanine 4648 with tyrosine.
Molecular consequence: missense variant.
Genome position (GRCh38, 1-based): chr1:237,795,318, T>A. VCF-style: chr1-237795318-T-A. GRCh37 (hg19) VCF-style: chr1-237958618-T-A.
Other names: short protein forms F4648Y.
Identifiers: ClinVar variation 3633844 (VCV003633844.2).
Genomic context (GRCh38, chr1:237,795,318, plus strand): 5'-CTATTTACTTCTATGCTTTTGTATATTTTAGGTCATTTCCCAACAACTACTGGGACAAAT[T>A]TGTTAAAAGAAAGGTAATATTACTTGGAATCCTCTACATTTTTCTTAAAGCACAGTTTAG-3'
Protein context (NP_001026.2, residues 4638-4658): QSFPNNYWDK[Phe4648Tyr]VKRKVMDKYG

ClinVar aggregate classification (germline): Uncertain significance (1 of 4 stars; one submission).

Conditions:
Catecholaminergic polymorphic ventricular tachycardia 1. Also called: VENTRICULAR TACHYCARDIA, CATECHOLAMINERGIC POLYMORPHIC, 1, WITH OR WITHOUT ATRIAL DYSFUNCTION AND/OR DILATED CARDIOMYOPATHY; RYR2-Related Catecholaminergic Polymorphic Ventricular Tachycardia; VENTRICULAR TACHYCARDIA, STRESS-INDUCED POLYMORPHIC 1. Identifiers: Orphanet 3286, MedGen C1631597, MONDO:0011484, OMIM 604772.

Submission:

Labcorp Genetics (formerly Invitae), Labcorp
Classification: Uncertain significance for Catecholaminergic polymorphic ventricular tachycardia 1. Last evaluated: 2024-05-04. Review status: criteria provided, single submitter. Criteria: Invitae Variant Classification Sherloc (09022015). Collection method: clinical testing. Allele origin: germline.
Comment: This sequence change replaces phenylalanine, which is neutral and non-polar, with tyrosine, which is neutral and polar, at codon 4648 of the RYR2 protein (p.Phe4648Tyr). This variant is not present in population databases (gnomAD no frequency). This variant has not been reported in the literature in individuals affected with RYR2-related conditions. Advanced modeling of protein sequence and biophysical properties (such as structural, functional, and spatial information, amino acid conservation, physicochemical variation, residue mobility, and thermodynamic stability) performed at Invitae indicates that this missense variant is expected to disrupt RYR2 protein function with a positive predictive value of 95%. In summary, the available evidence is currently insufficient to determine the role of this variant in disease. Therefore, it has been classified as a Variant of Uncertain Significance.